The following is an entry in ClinVar:

NM_005654.6(NR2F1):c.892C>A (p.His298Asn)

Gene: NR2F1 (nuclear receptor subfamily 2 group F member 1; plus strand). Cytogenetic location: 5q15.
Variant type: single nucleotide variant.
Coding change: c.892C>A on transcript NM_005654.6 (MANE Select); coding-DNA position 892, C replaced by A.
Protein change: p.His298Asn; replaces histidine 298 with asparagine.
Molecular consequence: missense variant.
Genome position (GRCh38, 1-based): chr5:93,588,345, C>A. VCF-style: chr5-93588345-C-A. GRCh37 (hg19) VCF-style: chr5-92924051-C-A.
Other names: c.442C>A, p.His148Asn (NM_001410754.1); short protein forms H298N, H148N.
Identifiers: ClinVar variation 1980338 (VCV001980338.4), dbSNP rs761934434, ClinGen allele CA3343185.

ClinVar aggregate classification (germline): Uncertain significance (1 of 4 stars; one submission).

Allele frequency attached by ClinVar (database versions not stated): gnomAD exomes below 0.00001; TOPMed below 0.00001; ExAC 0.00001; gnomAD 0.00001.

Submission:

Labcorp Genetics (formerly Invitae), Labcorp
Classification: Uncertain significance. Last evaluated: 2022-04-01. Review status: criteria provided, single submitter. Criteria: Invitae Variant Classification Sherloc (09022015). Collection method: clinical testing. Allele origin: germline.
Comment: This sequence change replaces histidine, which is basic and polar, with asparagine, which is neutral and polar, at codon 298 of the NR2F1 protein (p.His298Asn). This variant is present in population databases (rs761934434, gnomAD 0.0009%). This variant has not been reported in the literature in individuals affected with NR2F1-related conditions. Algorithms developed to predict the effect of missense changes on protein structure and function (SIFT, PolyPhen-2, Align-GVGD) all suggest that this variant is likely to be tolerated. In summary, the available evidence is currently insufficient to determine the role of this variant in disease. Therefore, it has been classified as a Variant of Uncertain Significance.